The following is an entry in ClinVar:

ClinVar aggregate classification (germline): Uncertain significance. Review status: criteria provided, multiple submitters, no conflicts (2 of 4 stars). 2 submissions from 2 submitters: Uncertain significance (2). Last evaluated 2024-11-10.

Conditions:
Inborn genetic diseases. Identifiers: MedGen C0950123, MeSH D030342.

Allele frequency attached by ClinVar (database versions not stated): ExAC 0.00002; TOPMed 0.00017; gnomAD exomes 0.00002; gnomAD 0.00007.
gnomAD v4.1: 49 of 1,613,986 alleles (0.003%); highest among the groups gnomAD compares: Admixed American, 0.027%; no homozygotes.

Submissions (2):

Ambry Genetics
Classification: Uncertain significance for Inborn genetic diseases. Last evaluated: 2024-11-10. Review status: criteria provided, single submitter. Criteria: Ambry Variant Classification Scheme 2023. Collection method: clinical testing. Allele origin: germline.

Labcorp Genetics (formerly Invitae), Labcorp
Classification: Uncertain significance. Last evaluated: 2024-10-29. Review status: criteria provided, single submitter. Criteria: Invitae Variant Classification Sherloc (09022015). Collection method: clinical testing. Allele origin: germline.
Comment: This sequence change replaces aspartic acid, which is acidic and polar, with asparagine, which is neutral and polar, at codon 155 of the PPP1R15B protein (p.Asp155Asn). This variant is present in population databases (rs760162799, gnomAD 0.01%). This variant has not been reported in the literature in individuals affected with PPP1R15B-related conditions. ClinVar contains an entry for this variant (Variation ID: 2079005). Invitae Evidence Modeling of protein sequence and biophysical properties (such as structural, functional, and spatial information, amino acid conservation, physicochemical variation, residue mobility, and thermodynamic stability) indicates that this missense variant is not expected to disrupt PPP1R15B protein function with a negative predictive value of 80%. In summary, the available evidence is currently insufficient to determine the role of this variant in disease. Therefore, it has been classified as a Variant of Uncertain Significance.

NM_032833.5(PPP1R15B):c.463G>A (p.Asp155Asn)

Gene: PPP1R15B (protein phosphatase 1 regulatory subunit 15B; minus strand). Cytogenetic location: 1q32.1.
Variant type: single nucleotide variant.
Coding change: c.463G>A on transcript NM_032833.5 (MANE Select); coding-DNA position 463, G replaced by A.
Protein change: p.Asp155Asn; replaces aspartic acid 155 with asparagine.
Molecular consequence: missense variant.
Genome position (GRCh38, 1-based): chr1:204,410,949, C>T on the plus strand (G>A on the coding strand, the complement: PPP1R15B is on the minus strand). VCF-style: chr1-204410949-C-T. GRCh37 (hg19) VCF-style: chr1-204380077-C-T.
Other names: short protein forms D155N.
Identifiers: ClinVar variation 2079005 (VCV002079005.6), dbSNP rs760162799, ClinGen allele CA1346810.